The following is an entry in ClinVar:

ClinVar aggregate classification (germline): Uncertain significance (1 of 4 stars; one submission).

Allele frequency attached by ClinVar (database versions not stated): gnomAD 0.00001; TOPMed 0.00001; ExAC 0.00002; 1000 Genomes Project 30x 0.00016; 1000 Genomes Project 0.00020.
gnomAD v4.1: 5 of 1,613,910 alleles (0.00031%); highest among the groups gnomAD compares: Admixed American, 0.0083%; no homozygotes.

Submission:

Labcorp Genetics (formerly Invitae), Labcorp
Classification: Uncertain significance. Last evaluated: 2022-06-03. Review status: criteria provided, single submitter. Criteria: Invitae Variant Classification Sherloc (09022015). Collection method: clinical testing. Allele origin: germline.
Comment: In summary, the available evidence is currently insufficient to determine the role of this variant in disease. Therefore, it has been classified as a Variant of Uncertain Significance. Algorithms developed to predict the effect of missense changes on protein structure and function are either unavailable or do not agree on the potential impact of this missense change (SIFT: "Not Available"; PolyPhen-2: "Possibly Damaging"; Align-GVGD: "Not Available"). This variant has not been reported in the literature in individuals affected with COLGALT1-related conditions. This variant is present in population databases (rs200972241, gnomAD 0.009%). This sequence change replaces isoleucine, which is neutral and non-polar, with methionine, which is neutral and non-polar, at codon 465 of the COLGALT1 protein (p.Ile465Met).

NM_024656.4(COLGALT1):c.1395C>G (p.Ile465Met)

Gene: COLGALT1 (collagen beta(1-O)galactosyltransferase 1; plus strand). Cytogenetic location: 19p13.11.
Variant type: single nucleotide variant.
Coding change: c.1395C>G on transcript NM_024656.4 (MANE Select); coding-DNA position 1395, C replaced by G.
Protein change: p.Ile465Met; replaces isoleucine 465 with methionine.
Molecular consequence: missense variant.
Genome position (GRCh38, 1-based): chr19:17,580,699, C>G. VCF-style: chr19-17580699-C-G. GRCh37 (hg19) VCF-style: chr19-17691508-C-G.
Other names: short protein forms I465M.
Identifiers: ClinVar variation 1986989 (VCV001986989.4), dbSNP rs200972241, ClinGen allele CA9297307.